The following is an entry in ClinVar:

NM_007186.6(CEP250):c.1659C>G (p.His553Gln)

Genes: CEP250 (centrosomal protein 250; plus strand), CEP250-AS1 (CEP250 antisense RNA 1; minus strand). Cytogenetic location: 20q11.22.
Variant type: single nucleotide variant.
Coding change: c.1659C>G on transcript NM_007186.6 (MANE Select); coding-DNA position 1659, C replaced by G.
Protein change: p.His553Gln; replaces histidine 553 with glutamine.
Molecular consequence: missense variant. On other transcripts: 5 prime UTR variant (1).
Genome position (GRCh38, 1-based): chr20:35,475,589, C>G. VCF-style: chr20-35475589-C-G. GRCh37 (hg19) VCF-style: chr20-34063414-C-G.
Other names: c.-241C>G (NM_001318219.1); short protein forms H553Q.
Identifiers: ClinVar variation 998703 (VCV000998703.7), dbSNP rs1383420557, ClinGen allele CA408764616.

ClinVar aggregate classification (germline): Uncertain significance (1 of 4 stars; one submission).

Submission:

Labcorp Genetics (formerly Invitae), Labcorp
Classification: Uncertain significance. Last evaluated: 2020-08-14. Review status: criteria provided, single submitter. Criteria: Invitae Variant Classification Sherloc (09022015). Collection method: clinical testing. Allele origin: germline.
Comment: This variant has not been reported in the literature in individuals with CEP250-related conditions. In summary, the available evidence is currently insufficient to determine the role of this variant in disease. Therefore, it has been classified as a Variant of Uncertain Significance. Algorithms developed to predict the effect of missense changes on protein structure and function are either unavailable or do not agree on the potential impact of this missense change (SIFT: "Not Available"; PolyPhen-2: "Benign"; Align-GVGD: "Not Available"). This variant is not present in population databases (ExAC no frequency). This sequence change replaces histidine with glutamine at codon 553 of the CEP250 protein (p.His553Gln). The histidine residue is weakly conserved and there is a small physicochemical difference between histidine and glutamine.